The following is an entry in ClinVar:

ClinVar aggregate classification (germline): Uncertain significance. Review status: criteria provided, multiple submitters, no conflicts (2 of 4 stars). 3 submissions from 3 submitters: Uncertain significance (3). Last evaluated 2024-11-21.

Conditions:
Inborn genetic diseases. Identifiers: MedGen C0950123, MeSH D030342.
Fetal akinesia deformation sequence 1 (FADS1). Also called: Pena-Shokeir syndrome type I; Fetal akinesia sequence. Identifiers: Orphanet 994, MedGen C1276035, MONDO:0100101, OMIM 208150, HP:0001989.
Congenital myasthenic syndrome 10. Also called: Myasthenia, limb-girdle, familial. Identifiers: Orphanet 590, MedGen C1850792, MONDO:0009690, OMIM 254300.

Allele frequency attached by ClinVar (database versions not stated): ESP Exome Variant Server 0.00008; TOPMed 0.00008.
gnomAD v4.1: 91 of 1,608,394 alleles (0.0057%); highest among the groups gnomAD compares: Admixed American, 0.0067%; no homozygotes.

Submissions (3):

Ambry Genetics
Classification: Uncertain significance for Inborn genetic diseases. Last evaluated: 2024-11-21. Review status: criteria provided, single submitter. Criteria: Ambry Variant Classification Scheme 2023. Collection method: clinical testing. Allele origin: germline.

Labcorp Genetics (formerly Invitae), Labcorp
Classification: Uncertain significance for Congenital myasthenic syndrome 10; Fetal akinesia deformation sequence 1. Last evaluated: 2021-08-27. Review status: criteria provided, single submitter. Criteria: Invitae Variant Classification Sherloc (09022015). Collection method: clinical testing. Allele origin: germline.
Comment: This sequence change replaces glycine with serine at codon 436 of the DOK7 protein (p.Gly436Ser). The glycine residue is weakly conserved and there is a small physicochemical difference between glycine and serine. This variant is present in population databases (rs201392182, ExAC 0.01%). This variant has not been reported in the literature in individuals affected with DOK7-related conditions. ClinVar contains an entry for this variant (Variation ID: 283171). Algorithms developed to predict the effect of missense changes on protein structure and function output the following: SIFT: "Tolerated"; PolyPhen-2: "Benign"; Align-GVGD: "Class C0". The serine amino acid residue is found in multiple mammalian species, which suggests that this missense change does not adversely affect protein function. In summary, the available evidence is currently insufficient to determine the role of this variant in disease. Therefore, it has been classified as a Variant of Uncertain Significance.

Eurofins Ntd Llc (ga)
Classification: Uncertain significance. Last evaluated: 2015-09-17. Review status: criteria provided, single submitter. Criteria: EGL Classification Definitions 2015. Collection method: clinical testing. Allele origin: germline. Observed: 1 variant allele, 1 heterozygote.

NM_173660.5(DOK7):c.1306G>A (p.Gly436Ser)

Gene: DOK7 (docking protein 7; plus strand). Cytogenetic location: 4p16.3.
Variant type: single nucleotide variant.
Coding change: c.1306G>A on transcript NM_173660.5 (MANE Select); coding-DNA position 1306, G replaced by A.
Protein change: p.Gly436Ser; replaces glycine 436 with serine.
Molecular consequence: missense variant. On other transcripts: 3 prime UTR variant (1).
Genome position (GRCh38, 1-based): chr4:3,493,292, G>A. VCF-style: chr4-3493292-G-A. GRCh37 (hg19) VCF-style: chr4-3495019-G-A.
Other names: c.*527G>A (NM_001164673.2); c.376G>A, p.Gly126Ser (NM_001256896.2); c.1306G>A, p.Gly436Ser (NM_001301071.2); c.874G>A, p.Gly292Ser (NM_001363811.2); short protein forms G436S, G126S, G292S.
Identifiers: ClinVar variation 283171 (VCV000283171.13), dbSNP rs201392182, ClinGen allele CA2829456.